The following is an entry in ClinVar:

NM_016341.4(PLCE1):c.4665+9C>T

Gene: PLCE1 (phospholipase C epsilon 1; plus strand). Cytogenetic location: 10q23.33.
Variant type: single nucleotide variant.
Coding change: c.4665+9C>T on transcript NM_016341.4 (MANE Select); 9 bases into the intron after coding-DNA position 4665, C replaced by T.
Molecular consequence: intron variant.
Genome position (GRCh38, 1-based): chr10:94,273,729, C>T. VCF-style: chr10-94273729-C-T. GRCh37 (hg19) VCF-style: chr10-96033486-C-T.
Other names: p.?; c.4617+9C>T (NM_001288989.2); c.3741+9C>T (NM_001165979.2).
Identifiers: ClinVar variation 2754787 (VCV002754787.4), dbSNP rs746089954, ClinGen allele CA5613183.

ClinVar aggregate classification (germline): Likely benign. Review status: criteria provided, multiple submitters, no conflicts (2 of 4 stars). 2 submissions from 2 submitters: Likely benign (2). Last evaluated 2025-07-16.

Allele frequency attached by ClinVar (database versions not stated): gnomAD 0.00001; gnomAD exomes 0.00002; ExAC 0.00008; TOPMed 0.00008.
gnomAD v4.1: 25 of 1,612,432 alleles (0.0016%); highest among the groups gnomAD compares: Admixed American, 0.032%; no homozygotes.

Submissions (2):

Mayo Clinic Laboratories, Mayo Clinic
Classification: Likely benign. Last evaluated: 2025-07-16. Review status: criteria provided, single submitter. Criteria: ACMG Guidelines, 2015. Collection method: clinical testing. Allele origin: germline. Observed: 1 variant allele.
Comment: BP4, BP7

Labcorp Genetics (formerly Invitae), Labcorp
Classification: Likely benign. Last evaluated: 2023-03-25. Review status: criteria provided, single submitter. Criteria: Invitae Variant Classification Sherloc (09022015). Collection method: clinical testing. Allele origin: germline.